The following is an entry in ClinVar:

NM_001171.6(ABCC6):c.2162G>A (p.Trp721Ter)

Gene: ABCC6 (ATP binding cassette subfamily C member 6; minus strand). Cytogenetic location: 16p13.11.
Variant type: single nucleotide variant.
Coding change: c.2162G>A on transcript NM_001171.6 (MANE Select); coding-DNA position 2162, G replaced by A.
Protein change: p.Trp721Ter; replaces tryptophan 721 with a stop codon.
Molecular consequence: nonsense. On other transcripts: non-coding transcript variant (1).
Genome position (GRCh38, 1-based): chr16:16,182,497, C>T on the plus strand (G>A on the coding strand, the complement: ABCC6 is on the minus strand). VCF-style: chr16-16182497-C-T. GRCh37 (hg19) VCF-style: chr16-16276354-C-T.
Other names: c.1820G>A, p.Trp607Ter (NM_001351800.1); short protein forms W721*, W607*.
Identifiers: ClinVar variation 433260 (VCV000433260.12), dbSNP rs72650701, ClinGen allele CA278647900.

ClinVar aggregate classification (germline): Pathogenic/Likely pathogenic. Review status: criteria provided, multiple submitters, no conflicts (2 of 4 stars). 4 submissions from 4 submitters: Pathogenic (2); Likely pathogenic (1). 1 of the submissions does not count toward it. Last evaluated 2022-10-16.

Conditions:
Autosomal recessive inherited pseudoxanthoma elasticum (PXE). Identifiers: Orphanet 758, MedGen CN032334, MONDO:0009925, OMIM 264800.
Arterial calcification, generalized, of infancy, 2. Identifiers: Orphanet 51608, MedGen C3276161, MONDO:0013768, OMIM 614473.
Pseudoxanthoma elasticum, forme fruste. Also called: Pseudoxanthoma Elasticum, Incomplete; PSEUDOXANTHOMA ELASTICUM, HETEROZYGOUS. Identifiers: Orphanet 758, MedGen C1867450, MONDO:0008333, OMIM 177850.
ABCC6-related disorder. Also called: ABCC6-related condition.

Allele frequency attached by ClinVar (database versions not stated): gnomAD exomes below 0.00001.
gnomAD v4.1: 1 of 1,614,192 alleles (0.000062%); highest among the groups gnomAD compares: Non-Finnish European, 0.000085%; no homozygotes.

Submissions (4):

Labcorp Genetics (formerly Invitae), Labcorp
Classification: Pathogenic. Last evaluated: 2022-10-16. Review status: criteria provided, single submitter. Criteria: Invitae Variant Classification Sherloc (09022015). Collection method: clinical testing. Allele origin: germline.
Comment: ClinVar contains an entry for this variant (Variation ID: 433260). This premature translational stop signal has been observed in individual(s) with pseudoxanthoma elasticum (PMID: 16086317). This variant is not present in population databases (gnomAD no frequency). This sequence change creates a premature translational stop signal (p.Trp721*) in the ABCC6 gene. It is expected to result in an absent or disrupted protein product. Loss-of-function variants in ABCC6 are known to be pathogenic (PMID: 11536079, 17617515). For these reasons, this variant has been classified as Pathogenic.

Fulgent Genetics
Classification: Pathogenic for Pseudoxanthoma elasticum, forme fruste; Autosomal recessive inherited pseudoxanthoma elasticum; Arterial calcification, generalized, of infancy, 2. Last evaluated: 2021-09-14. Review status: criteria provided, single submitter. Criteria: ACMG Guidelines, 2015. Collection method: clinical testing. Allele origin: unknown.

Blueprint Genetics
Classification: Likely pathogenic for ABCC6-related disorders. Last evaluated: 2019-11-29. Review status: criteria provided, single submitter. Criteria: ACMG Guidelines, 2015. Collection method: clinical testing. Allele origin: germline. Affected: yes. Observed: 1 variant allele.

PXE International
Classification: Likely pathogenic for Autosomal recessive inherited pseudoxanthoma elasticum. Last evaluated: 2021-03-02. Review status: no assertion criteria provided. Collection method: research. Allele origin: germline. Inheritance: Autosomal recessive inheritance. Affected: yes. Not counted in ClinVar's aggregate classification.

Literature cited by the submitters: PubMed 16086317 (cited by Labcorp Genetics (formerly Invitae), Labcorp and PXE International); PubMed 11536079 (cited by Labcorp Genetics (formerly Invitae), Labcorp); PubMed 17617515 (cited by Labcorp Genetics (formerly Invitae), Labcorp).